The following is an entry in ClinVar:

ClinVar aggregate classification (germline): Uncertain significance (1 of 4 stars; one submission).

Conditions:
Severe combined immunodeficiency due to DNA-PKcs deficiency. Also called: IMMUNODEFICIENCY 26 WITH NEUROLOGIC ABNORMALITIES; Immunodeficiency 26 with or without neurologic abnormalities. Identifiers: Orphanet 317425, MedGen C4014833, MONDO:0014423, OMIM 615966.

Allele frequency attached by ClinVar (database versions not stated): gnomAD exomes below 0.00001; gnomAD 0.00001.
gnomAD v4.1: 3 of 1,604,040 alleles (0.00019%); highest among the groups gnomAD compares: Non-Finnish European, 0.00026%; no homozygotes.

Submission:

Labcorp Genetics (formerly Invitae), Labcorp
Classification: Uncertain significance for Severe combined immunodeficiency due to DNA-PKcs deficiency. Last evaluated: 2022-07-05. Review status: criteria provided, single submitter. Criteria: Invitae Variant Classification Sherloc (09022015). Collection method: clinical testing. Allele origin: germline.
Comment: In summary, the available evidence is currently insufficient to determine the role of this variant in disease. Therefore, it has been classified as a Variant of Uncertain Significance. Variants that disrupt the consensus splice site are a relatively common cause of aberrant splicing (PMID: 17576681, 9536098). Algorithms developed to predict the effect of sequence changes on RNA splicing suggest that this variant is not likely to affect RNA splicing. ClinVar contains an entry for this variant (Variation ID: 1505110). This variant has not been reported in the literature in individuals affected with PRKDC-related conditions. This variant is not present in population databases (gnomAD no frequency). This sequence change replaces aspartic acid with asparagine at codon 3308 of the PRKDC protein (p.Asp3308Asn). The aspartic acid residue is weakly conserved and there is a small physicochemical difference between aspartic acid and asparagine. This variant also falls at the last nucleotide of exon 70, which is part of the consensus splice site for this exon.

Literature cited by the submitters: PubMed 17576681; PubMed 9536098.

NM_006904.7(PRKDC):c.9922G>A (p.Asp3308Asn)

Gene: PRKDC (protein kinase, DNA-activated, catalytic subunit; minus strand). Cytogenetic location: 8q11.21.
Variant type: single nucleotide variant.
Coding change: c.9922G>A on transcript NM_006904.7 (MANE Select); coding-DNA position 9922, G replaced by A.
Protein change: p.Asp3308Asn; replaces aspartic acid 3308 with asparagine.
Molecular consequence: missense variant.
Genome position (GRCh38, 1-based): chr8:47,803,306, C>T on the plus strand (G>A on the coding strand, the complement: PRKDC is on the minus strand). VCF-style: chr8-47803306-C-T. GRCh37 (hg19) VCF-style: chr8-48715867-C-T.
Other names: c.9922G>A, p.Asp3308Asn (NM_001081640.2); short protein forms D3308N.
Identifiers: ClinVar variation 1505110 (VCV001505110.6), dbSNP rs2087148658, ClinGen allele CA371136477.